The following is an entry in ClinVar:

NM_024642.5(GALNT12):c.1127C>T (p.Ala376Val)

Gene: GALNT12 (polypeptide N-acetylgalactosaminyltransferase 12; plus strand). Cytogenetic location: 9q22.33.
Variant type: single nucleotide variant.
Coding change: c.1127C>T on transcript NM_024642.5 (MANE Select); coding-DNA position 1127, C replaced by T.
Protein change: p.Ala376Val; replaces alanine 376 with valine.
Molecular consequence: missense variant.
Genome position (GRCh38, 1-based): chr9:98,837,063, C>T. VCF-style: chr9-98837063-C-T. GRCh37 (hg19) VCF-style: chr9-101599345-C-T.
Other names: short protein forms A376V.
Identifiers: ClinVar variation 2586476 (VCV002586476.2), dbSNP rs750984582, ClinGen allele CA5154175.

ClinVar aggregate classification (germline): Uncertain significance (1 of 4 stars; one submission).

Allele frequency attached by ClinVar (database versions not stated): gnomAD exomes below 0.00001; ExAC 0.00001.
gnomAD v4.1: 1 of 1,614,212 alleles (0.000062%); highest among the groups gnomAD compares: Admixed American, 0.0017%; no homozygotes.

Submission:

Ambry Genetics
Classification: Uncertain significance. Last evaluated: 2023-09-13. Review status: criteria provided, single submitter. Criteria: Ambry Variant Classification Scheme 2023. Collection method: clinical testing. Allele origin: germline.
Comment: The p.A376V variant (also known as c.1127C>T), located in coding exon 6 of the GALNT12 gene, results from a C to T substitution at nucleotide position 1127. The alanine at codon 376 is replaced by valine, an amino acid with similar properties. This amino acid position is conserved. In addition, the in silico prediction for this alteration is inconclusive. Since supporting evidence is limited at this time, the clinical significance of this alteration remains unclear.